The following is an entry in ClinVar:

NM_006904.7(PRKDC):c.8968G>A (p.Glu2990Lys)

Gene: PRKDC (protein kinase, DNA-activated, catalytic subunit; minus strand). Cytogenetic location: 8q11.21.
Variant type: single nucleotide variant.
Coding change: c.8968G>A on transcript NM_006904.7 (MANE Select); coding-DNA position 8968, G replaced by A.
Protein change: p.Glu2990Lys; replaces glutamic acid 2990 with lysine.
Molecular consequence: missense variant.
Genome position (GRCh38, 1-based): chr8:47,821,747, C>T on the plus strand (G>A on the coding strand, the complement: PRKDC is on the minus strand). VCF-style: chr8-47821747-C-T. GRCh37 (hg19) VCF-style: chr8-48734308-C-T.
Other names: c.8968G>A, p.Glu2990Lys (NM_001081640.2); short protein forms E2990K.
Identifiers: ClinVar variation 1493924 (VCV001493924.6), dbSNP rs1348588252, ClinGen allele CA371140980.
Genomic context (GRCh38, chr8:47,821,747, plus strand): 5'-ATTTCCACTCAGCAAGGTGGTTGTAACAGTCAAGGGATGCAAGTTCCCAAAAATCCTTCT[C>T]GGCTTCTGTGGGCTCACCATCTACCCAGTCTTGTTTATTGAGAGCCTAGTGGAGAAAAGT-3'
Protein context (NP_008835.5, residues 2980-3000): DWVDGEPTEA[Glu2990Lys]KDFWELASLD

ClinVar aggregate classification (germline): Uncertain significance (1 of 4 stars; one submission).

Conditions:
Severe combined immunodeficiency due to DNA-PKcs deficiency. Also called: IMMUNODEFICIENCY 26 WITH NEUROLOGIC ABNORMALITIES; Immunodeficiency 26 with or without neurologic abnormalities. Identifiers: Orphanet 317425, MedGen C4014833, MONDO:0014423, OMIM 615966.

Allele frequency attached by ClinVar (database versions not stated): gnomAD exomes below 0.00001.
gnomAD v4.1: 3 of 1,596,534 alleles (0.00019%); highest among the groups gnomAD compares: Non-Finnish European, 0.00017%; no homozygotes.

Submission:

Labcorp Genetics (formerly Invitae), Labcorp
Classification: Uncertain significance for Severe combined immunodeficiency due to DNA-PKcs deficiency. Last evaluated: 2022-10-13. Review status: criteria provided, single submitter. Criteria: Invitae Variant Classification Sherloc (09022015). Collection method: clinical testing. Allele origin: germline.
Comment: The frequency data for this variant in the population databases is considered unreliable, as metrics indicate poor data quality at this position in the gnomAD database. This sequence change replaces glutamic acid with lysine at codon 2990 of the PRKDC protein (p.Glu2990Lys). The glutamic acid residue is moderately conserved and there is a small physicochemical difference between glutamic acid and lysine. In summary, the available evidence is currently insufficient to determine the role of this variant in disease. Therefore, it has been classified as a Variant of Uncertain Significance. Advanced modeling of protein sequence and biophysical properties (such as structural, functional, and spatial information, amino acid conservation, physicochemical variation, residue mobility, and thermodynamic stability) performed at Invitae indicates that this missense variant is expected to disrupt PRKDC protein function. ClinVar contains an entry for this variant (Variation ID: 1493924). This variant has not been reported in the literature in individuals affected with PRKDC-related conditions.